The following is an entry in ClinVar:

ClinVar aggregate classification (germline): Uncertain significance (1 of 4 stars; one submission).

Submission:

Labcorp Genetics (formerly Invitae), Labcorp
Classification: Uncertain significance. Last evaluated: 2025-08-10. Review status: criteria provided, single submitter. Criteria: Invitae Variant Classification Sherloc (09022015). Collection method: clinical testing. Allele origin: germline.
Comment: This sequence change replaces leucine, which is neutral and non-polar, with glutamine, which is neutral and polar, at codon 61 of the TCIRG1 protein (p.Leu61Gln). This variant is not present in population databases (gnomAD no frequency). This variant has not been reported in the literature in individuals affected with TCIRG1-related conditions. Invitae Evidence Modeling of protein sequence and biophysical properties (such as structural, functional, and spatial information, amino acid conservation, physicochemical variation, residue mobility, and thermodynamic stability) has been performed for this missense variant. However, the output from this modeling did not meet the statistical confidence thresholds required to predict the impact of this variant on TCIRG1 protein function. In summary, the available evidence is currently insufficient to determine the role of this variant in disease. Therefore, it has been classified as a Variant of Uncertain Significance.

NM_006019.4(TCIRG1):c.182T>A (p.Leu61Gln)

Gene: TCIRG1 (T cell immune regulator 1, ATPase H+ transporting V0 subunit a3; plus strand). Cytogenetic location: 11q13.2.
Variant type: single nucleotide variant.
Coding change: c.182T>A on transcript NM_006019.4 (MANE Select); coding-DNA position 182, T replaced by A.
Protein change: p.Leu61Gln; replaces leucine 61 with glutamine.
Molecular consequence: missense variant. On other transcripts: 5 prime UTR variant (1), intron variant (1).
Genome position (GRCh38, 1-based): chr11:68,041,817, T>A. VCF-style: chr11-68041817-T-A. GRCh37 (hg19) VCF-style: chr11-67809284-T-A.
Other names: c.-1068T>A (NM_001351059.2); c.182T>A, p.Leu61Gln (NM_001440552.1, NM_001440553.1, NM_001440554.1 and 9 more transcripts); c.140T>A, p.Leu47Gln (NM_001440555.1, NM_001440556.1, NM_001440563.1 and 2 more transcripts); c.117+429T>A (NM_001440565.1); short protein forms L61Q, L47Q.
Identifiers: ClinVar variation 4763075 (VCV004763075.1).